The following is an entry in ClinVar:

ClinVar aggregate classification (germline): Uncertain significance (1 of 4 stars; one submission).

Submission:

CeGaT Center for Human Genetics Tuebingen
Classification: Uncertain significance. Last evaluated: 2022-05-01. Review status: criteria provided, single submitter. Criteria: CeGaT Center For Human Genetics Tuebingen Variant Classification Criteria Version 2. Collection method: clinical testing. Allele origin: germline. Affected: yes. Observed: 2 variant alleles.
Comment: FUS: PM2

NM_004960.4(FUS):c.1226G>A (p.Gly409Glu)

Gene: FUS (FUS DNA/RNA binding protein; plus strand). Cytogenetic location: 16p11.2.
Variant type: single nucleotide variant.
Coding change: c.1226G>A on transcript NM_004960.4 (MANE Select); coding-DNA position 1226, G replaced by A.
Protein change: p.Gly409Glu; replaces glycine 409 with glutamic acid.
Molecular consequence: missense variant. On other transcripts: non-coding transcript variant (1).
Genome position (GRCh38, 1-based): chr16:31,190,332, G>A. VCF-style: chr16-31190332-G-A. GRCh37 (hg19) VCF-style: chr16-31201653-G-A.
Other names: c.1223G>A, p.Gly408Glu (NM_001170634.1); c.1214G>A, p.Gly405Glu (NM_001170937.1); short protein forms G405E, G408E, G409E.
Identifiers: ClinVar variation 2646473 (VCV002646473.24), dbSNP rs2144136213, ClinGen allele CA395674914.
Genomic context (GRCh38, chr16:31,190,332, plus strand): 5'-TAGGACCCATGGGCCGTGGAGGCTATGGAGGTGGTGGCAGTGGTGGTGGTGGCCGAGGAG[G>A]ATTTCCCAGTGGAGGTGGTGGCGGTGGAGGACAGCAGCGAGCTGGTGACTGGAAGTGTCC-3'
Protein context (NP_004951.1, residues 399-419): GGGSGGGGRG[Gly409Glu]FPSGGGGGGG